The following is an entry in ClinVar:

NM_002350.4(LYN):c.1519C>T (p.Gln507Ter)

Gene: LYN (LYN proto-oncogene, Src family tyrosine kinase; plus strand). Cytogenetic location: 8q12.1.
Variant type: single nucleotide variant.
Coding change: c.1519C>T on transcript NM_002350.4 (MANE Select); coding-DNA position 1519, C replaced by T.
Protein change: p.Gln507Ter; replaces glutamine 507 with a stop codon.
Molecular consequence: nonsense.
Genome position (GRCh38, 1-based): chr8:56,010,090, C>T. VCF-style: chr8-56010090-C-T. GRCh37 (hg19) VCF-style: chr8-56922649-C-T.
Other names: c.1456C>T, p.Gln486Ter (NM_001111097.3); short protein forms Q486*, Q507*.
Identifiers: ClinVar variation 1895415 (VCV001895415.4), dbSNP rs2486900565, ClinGen allele CA371277040.
Genomic context (GRCh38, chr8:56,010,090, plus strand): 5'-AGACCAACGTTTGACTACTTACAGAGCGTCCTGGATGATTTCTACACAGCCACGGAAGGG[C>T]AATACCAGCAGCAGCCTTAGAGCACAGGGAGACCCGTCCATTTGGCAGGGGTGGCTGCCT-3'

ClinVar aggregate classification (germline): Pathogenic. Review status: no assertion criteria provided (0 of 4 stars). 2 submissions from 2 submitters: Pathogenic (2). Last evaluated 2023-05-16.

Conditions:
Autoinflammatory disease, systemic, with vasculitis (SAIDV). Also called: LAVLI SYNDROME. Identifiers: MedGen C5830525, MONDO:0957271, OMIM 620376.
LYN kinase associated vasculopathy and liver fibrosis syndrome.

Submissions (2):

OMIM
Classification: Pathogenic for AUTOINFLAMMATORY DISEASE, SYSTEMIC, WITH VASCULITIS. Last evaluated: 2023-05-16. Review status: no assertion criteria provided. Collection method: literature only. Allele origin: germline.

Translational Autoinflammatory Diseases Section, NIAID, NIH
Classification: Pathogenic for LYN kinase associated vasculopathy and liver fibrosis syndrome. Last evaluated: 2022-11-15. Review status: no assertion criteria provided. Collection method: research. Allele origin: de novo. Inheritance: Sporadic. Affected: yes. Observed: 1 variant allele.
Comment: Two other unrelated patients presented with similar clinical phenotypes and de novo variants that also affect Lyn Y508. Functional studies indicate the variant is gain-of-function.

Literature cited by the submitters: PubMed 36932076 (cited by OMIM).